The following is an entry in ClinVar:

ClinVar aggregate classification (germline): Uncertain significance. Review status: criteria provided, multiple submitters, no conflicts (2 of 4 stars). 3 submissions from 3 submitters: Uncertain significance (3). Last evaluated 2025-05-29.

Conditions:
Mitochondrial complex II deficiency, nuclear type 1. Also called: SUCCINATE CoQ REDUCTASE DEFICIENCY. Identifiers: Orphanet 3208, MedGen C5700310, MONDO:0100294, OMIM 252011.
Hereditary cancer-predisposing syndrome. Also called: Neoplastic Syndromes, Hereditary; Hereditary Cancer Syndrome; Hereditary neoplastic syndrome; Tumor predisposition. Identifiers: Orphanet 140162, MedGen C0027672, MeSH D009386, MONDO:0015356.
Pheochromocytoma/paraganglioma syndrome 5. Also called: Paragangliomas 5; SDHA-Related Hereditary Paraganglioma-Pheochromocytoma Syndrome. Identifiers: Orphanet 29072, MedGen C3279992, MONDO:0013602, OMIM 614165.

Allele frequency attached by ClinVar (database versions not stated): TOPMed below 0.00001.

Submissions (3):

3billion
Classification: Uncertain significance for Mitochondrial complex II deficiency, nuclear type 1. Last evaluated: 2025-05-29. Review status: criteria provided, single submitter. Criteria: ACMG Guidelines, 2015. Collection method: clinical testing. Allele origin: germline. Affected: yes.
Comment: The variant is not observed in the gnomAD v4.1.0 dataset. Predicted Consequence/Location: Missense variant. The majority of the known disease-causing variants of this gene are variants expected to result in premature termination of the protein. In silico tool predictions suggest damaging effect of the variant on gene or gene product [REVEL: 0.68 (>=0.6, sensitivity 0.68 and specificity 0.92)]. The variant has been reported as of uncertain significance (ClinVar ID: VCV001437339; 3billion dataset). Different missense changes at the same codon have been reported as of uncertain significance (ClinVar ID: VCV001718043, VCV000944104; 3billion dataset). Therefore, this variant is classified as VUS according to the recommendation of ACMG/AMP guideline.

Labcorp Genetics (formerly Invitae), Labcorp
Classification: Uncertain significance for Pheochromocytoma/paraganglioma syndrome 5; Mitochondrial complex II deficiency, nuclear type 1. Last evaluated: 2025-04-27. Review status: criteria provided, single submitter. Criteria: Invitae Variant Classification Sherloc (09022015). Collection method: clinical testing. Allele origin: germline.
Comment: This sequence change replaces alanine, which is neutral and non-polar, with valine, which is neutral and non-polar, at codon 172 of the SDHA protein (p.Ala172Val). This variant is not present in population databases (gnomAD no frequency). This variant has not been reported in the literature in individuals affected with SDHA-related conditions. ClinVar contains an entry for this variant (Variation ID: 1437339). Invitae Evidence Modeling of protein sequence and biophysical properties (such as structural, functional, and spatial information, amino acid conservation, physicochemical variation, residue mobility, and thermodynamic stability) has been performed for this missense variant. However, the output from this modeling did not meet the statistical confidence thresholds required to predict the impact of this variant on SDHA protein function. In summary, the available evidence is currently insufficient to determine the role of this variant in disease. Therefore, it has been classified as a Variant of Uncertain Significance.

Ambry Genetics
Classification: Uncertain significance for Hereditary cancer-predisposing syndrome. Last evaluated: 2024-07-27. Review status: criteria provided, single submitter. Criteria: Ambry Variant Classification Scheme 2023. Collection method: clinical testing. Allele origin: germline.
Comment: The p.A172V variant (also known as c.515C>T), located in coding exon 5 of the SDHA gene, results from a C to T substitution at nucleotide position 515. The alanine at codon 172 is replaced by valine, an amino acid with similar properties. This amino acid position is conserved. In addition, the in silico prediction for this alteration is inconclusive. Based on the available evidence, the clinical significance of this variant remains unclear.

NM_004168.4(SDHA):c.515C>T (p.Ala172Val)

Gene: SDHA (succinate dehydrogenase complex flavoprotein subunit A; plus strand). Cytogenetic location: 5p15.33.
Variant type: single nucleotide variant.
Coding change: c.515C>T on transcript NM_004168.4 (MANE Select); coding-DNA position 515, C replaced by T.
Protein change: p.Ala172Val; replaces alanine 172 with valine.
Molecular consequence: missense variant.
Genome position (GRCh38, 1-based): chr5:225,941, C>T. VCF-style: chr5-225941-C-T. GRCh37 (hg19) VCF-style: chr5-226056-C-T.
Other names: c.515C>T (NM_004168.2); c.371C>T, p.Ala124Val (NM_001294332.2); c.515C>T, p.Ala172Val (NM_001330758.2); short protein forms A124V, A172V.
Identifiers: ClinVar variation 1437339 (VCV001437339.9), dbSNP rs1734991593, ClinGen allele CA359010158.
Genomic context (GRCh38, chr5:225,941, plus strand): 5'-AGCTAGAAAATTATGGCATGCCGTTTAGCAGAACTGAAGATGGGAAGATTTATCAGCGTG[C>T]ATTTGGTGGACAGAGCCTCAAGTTTGGAAAGGGCGGGCAGGCCCATCGGTGCTGCTGTGT-3'
Protein context (NP_004159.2, residues 162-182): RTEDGKIYQR[Ala172Val]FGGQSLKFGK